The following is an entry in ClinVar:

ClinVar aggregate classification (germline): Pathogenic (1 of 4 stars; one submission).

Conditions:
Joubert syndrome 14 (JBTS14). Identifiers: MedGen C3280766, MONDO:0013745, OMIM 614424.

Submission:

Labcorp Genetics (formerly Invitae), Labcorp
Classification: Pathogenic for Joubert syndrome 14. Last evaluated: 2025-12-03. Review status: criteria provided, single submitter. Criteria: Invitae Variant Classification Sherloc (09022015). Collection method: clinical testing. Allele origin: germline.
Comment: This sequence change creates a premature translational stop signal (p.Thr220Asnfs*70) in the TMEM237 gene. It is expected to result in an absent or disrupted protein product. Loss-of-function variants in TMEM237 are known to be pathogenic (PMID: 22152675). This variant is not present in population databases (gnomAD no frequency). This variant has not been reported in the literature in individuals affected with TMEM237-related conditions. For these reasons, this variant has been classified as Pathogenic.

Literature cited by the submitters: PubMed 22152675.

NM_001044385.3(TMEM237):c.658dup (p.Thr220fs)

Gene: TMEM237 (transmembrane protein 237; minus strand). Cytogenetic location: 2q33.1.
Variant type: Duplication.
Coding change: c.658dup on transcript NM_001044385.3 (MANE Select); coding-DNA position 658, one base duplicated (A; older notation c.658dupA).
Protein change: p.Thr220fs; shifts the reading frame from threonine 220.
Molecular consequence: frameshift variant.
Genome position (GRCh38, 1-based): chr2:201,629,748, T duplicated on the plus strand (A on the coding strand, the reverse complement: TMEM237 is on the minus strand). VCF-style (leftmost placement, unchanged base first): chr2-201629747-G-GT. GRCh37 (hg19) VCF-style: chr2-202494470-G-GT.
Other names: c.634dup, p.Thr212fs (NM_152388.4); short protein forms T220fs, T212fs.
Identifiers: ClinVar variation 4732547 (VCV004732547.1).